The following is an entry in ClinVar:

NM_000316.3(PTH1R):c.1603C>T (p.Pro535Ser)

Gene: PTH1R (parathyroid hormone 1 receptor; plus strand). Cytogenetic location: 3p21.31.
Variant type: single nucleotide variant.
Coding change: c.1603C>T on transcript NM_000316.3 (MANE Select); coding-DNA position 1603, C replaced by T.
Protein change: p.Pro535Ser; replaces proline 535 with serine.
Molecular consequence: missense variant.
Genome position (GRCh38, 1-based): chr3:46,903,477, C>T. VCF-style: chr3-46903477-C-T. GRCh37 (hg19) VCF-style: chr3-46944967-C-T.
Other names: c.1603C>T, p.Pro535Ser (NM_001184744.1); short protein forms P535S.
Identifiers: ClinVar variation 2102961 (VCV002102961.4), dbSNP rs1429642999, ClinGen allele CA352503915.

ClinVar aggregate classification (germline): Uncertain significance (1 of 4 stars; one submission).

Allele frequency attached by ClinVar (database versions not stated): gnomAD exomes below 0.00001.

Submission:

Labcorp Genetics (formerly Invitae), Labcorp
Classification: Uncertain significance. Last evaluated: 2022-02-24. Review status: criteria provided, single submitter. Criteria: Invitae Variant Classification Sherloc (09022015). Collection method: clinical testing. Allele origin: germline.
Comment: In summary, the available evidence is currently insufficient to determine the role of this variant in disease. Therefore, it has been classified as a Variant of Uncertain Significance. Algorithms developed to predict the effect of missense changes on protein structure and function (SIFT, PolyPhen-2, Align-GVGD) all suggest that this variant is likely to be disruptive. This variant has not been reported in the literature in individuals affected with PTH1R-related conditions. This variant is present in population databases (no rsID available, gnomAD 0.01%). This sequence change replaces proline, which is neutral and non-polar, with serine, which is neutral and polar, at codon 535 of the PTH1R protein (p.Pro535Ser).